The following is an entry in ClinVar:

NM_001127222.2(CACNA1A):c.3286A>G (p.Lys1096Glu)

Gene: CACNA1A (calcium voltage-gated channel subunit alpha1 A; minus strand). Cytogenetic location: 19p13.13.
Variant type: single nucleotide variant.
Coding change: c.3286A>G on transcript NM_001127222.2 (MANE Select); coding-DNA position 3286, A replaced by G.
Protein change: p.Lys1096Glu; replaces lysine 1096 with glutamic acid.
Molecular consequence: missense variant.
Genome position (GRCh38, 1-based): chr19:13,286,770, T>C on the plus strand (A>G on the coding strand, the complement: CACNA1A is on the minus strand). VCF-style: chr19-13286770-T-C. GRCh37 (hg19) VCF-style: chr19-13397584-T-C.
Other names: c.3298A>G, p.Lys1100Glu (NM_023035.3, NM_000068.4); c.3289A>G, p.Lys1097Glu (NM_001127221.2, NM_001174080.2); short protein forms K1097E, K1096E, K1100E.
Identifiers: ClinVar variation 4790548 (VCV004790548.1).
Genomic context (GRCh38, chr19:13,286,770, plus strand): 5'-GGTTGGTGGCCATGGCAGGGATGGCCAGCATGGGGCCGGGGTCGGTGCTGTTTCCCATCT[T>C]GGCTGGGCTCTGGGGCAGGCCGGCGTGGCCAAGGCTGCCGTGGGGAGCGGCCGACTCCGC-3'
Protein context (NP_001120694.1, residues 1086-1106): GHAGLPQSPA[Lys1096Glu]MGNSTDPGPM

ClinVar aggregate classification (germline): Uncertain significance (1 of 4 stars; one submission).

Conditions:
Episodic ataxia type 2 (EA2). Also called: ACETAZOLAMIDE-RESPONSIVE HEREDITARY PAROXYSMAL CEREBELLAR ATAXIA; ATAXIA, EPISODIC, WITH NYSTAGMUS; ATAXIA, FAMILIAL PAROXYSMAL; CEREBELLAR ATAXIA, PAROXYSMAL, ACETAZOLAMIDE-RESPONSIVE; CEREBELLOPATHY, HEREDITARY PAROXYSMAL; EPISODIC ATAXIA, NYSTAGMUS-ASSOCIATED. Identifiers: Orphanet 97, MedGen C1720416, MONDO:0007163, OMIM 108500.
Developmental and epileptic encephalopathy, 42 (DEE42A). Also called: Epileptic encephalopathy, early infantile, 42; DEVELOPMENTAL AND EPILEPTIC ENCEPHALOPATHY 42A; EPILEPTIC ENCEPHALOPATHY, EARLY INFANTILE, 42A. Identifiers: MedGen C4310716, MONDO:0014917, OMIM 617106.

Submission:

Labcorp Genetics (formerly Invitae), Labcorp
Classification: Uncertain significance for Developmental and epileptic encephalopathy, 42; Episodic ataxia type 2. Last evaluated: 2025-08-31. Review status: criteria provided, single submitter. Criteria: Invitae Variant Classification Sherloc (09022015). Collection method: clinical testing. Allele origin: germline.
Comment: This sequence change replaces lysine, which is basic and polar, with glutamic acid, which is acidic and polar, at codon 1097 of the CACNA1A protein (p.Lys1097Glu). This variant is not present in population databases (gnomAD no frequency). This variant has not been reported in the literature in individuals affected with CACNA1A-related conditions. Invitae Evidence Modeling of protein sequence and biophysical properties (such as structural, functional, and spatial information, amino acid conservation, physicochemical variation, residue mobility, and thermodynamic stability) indicates that this missense variant is not expected to disrupt CACNA1A protein function with a negative predictive value of 95%. In summary, the available evidence is currently insufficient to determine the role of this variant in disease. Therefore, it has been classified as a Variant of Uncertain Significance.